The following is an entry in ClinVar:

ClinVar aggregate classification (germline): Likely benign. Review status: criteria provided, multiple submitters, no conflicts (2 of 4 stars). 4 submissions from 4 submitters: Likely benign (3). 1 of the submissions does not count toward it. Last evaluated 2026-08-01.

Conditions:
TUBGCP6-related disorder. Also called: TUBGCP6-related condition.

Allele frequency attached by ClinVar (database versions not stated): ExAC 0.00004; gnomAD exomes 0.00005 and 0.00007; gnomAD 0.00006 and 0.00007; TOPMed 0.00007.
gnomAD v4.1: 81 of 1,612,120 alleles (0.005%); highest among the groups gnomAD compares: Admixed American, 0.0084%; no homozygotes.

Submissions (4):

CeGaT Center for Human Genetics Tuebingen
Classification: Likely benign. Last evaluated: 2026-08-01. Review status: criteria provided, single submitter. Criteria: CeGaT Center For Human Genetics Tuebingen Variant Classification Criteria Version 2. Collection method: clinical testing. Allele origin: germline. Affected: yes. Observed: 1 variant allele.
Comment: TUBGCP6: BP4, BP7

Labcorp Genetics (formerly Invitae), Labcorp
Classification: Likely benign. Last evaluated: 2026-01-06. Review status: criteria provided, single submitter. Criteria: Invitae Variant Classification Sherloc (09022015). Collection method: clinical testing. Allele origin: germline.

Blueprint Genetics
Classification: Likely benign. Last evaluated: 2024-04-29. Review status: criteria provided, single submitter. Criteria: ACMG Guidelines, 2015. Collection method: clinical testing. Allele origin: germline.

PreventionGenetics, part of Exact Sciences
Classification: Likely benign for TUBGCP6-related condition. Last evaluated: 2019-08-28. Review status: no assertion criteria provided. Collection method: clinical testing. Allele origin: germline. Not counted in ClinVar's aggregate classification.
Comment: This variant is classified as likely benign based on ACMG/AMP sequence variant interpretation guidelines (Richards et al. 2015 PMID: 25741868, with internal and published modifications).

NM_020461.4(TUBGCP6):c.1440C>T (p.Gly480=)

Gene: TUBGCP6 (tubulin gamma complex component 6; minus strand). Cytogenetic location: 22q13.33.
Variant type: single nucleotide variant.
Coding change: c.1440C>T on transcript NM_020461.4 (MANE Select); coding-DNA position 1440, C replaced by T.
Protein change: p.Gly480=; no amino-acid change (glycine 480 retained).
Molecular consequence: synonymous variant.
Genome position (GRCh38, 1-based): chr22:50,227,050, G>A on the plus strand (C>T on the coding strand, the complement: TUBGCP6 is on the minus strand). VCF-style: chr22-50227050-G-A. GRCh37 (hg19) VCF-style: chr22-50665479-G-A.
Other names: c.1440C>T (NM_020461.3).
Identifiers: ClinVar variation 1111981 (VCV001111981.13), dbSNP rs762839837, ClinGen allele CA10308681.